The following is an entry in ClinVar:

ClinVar aggregate classification (germline): Likely pathogenic (1 of 4 stars; one submission).

Allele frequency attached by ClinVar (database versions not stated): gnomAD exomes below 0.00001; TOPMed below 0.00001.

Submission:

Laboratorio de Genetica e Diagnostico Molecular, Hospital Israelita Albert Einstein
Classification: Likely pathogenic. Last evaluated: 2021-09-15. Review status: criteria provided, single submitter. Criteria: ACMG Guidelines, 2015. Collection method: clinical testing. Allele origin: germline. Affected: yes.
Comment: ACMG classification criteria: PVS1, PM2

NM_021926.4(ALX4):c.1017del (p.Gly340fs)

Gene: ALX4 (ALX homeobox 4; minus strand). Cytogenetic location: 11p11.2.
Variant type: Deletion.
Coding change: c.1017del on transcript NM_021926.4 (MANE Select); coding-DNA position 1017, one base deleted (T; older notation c.1017delT).
Protein change: p.Gly340fs; shifts the reading frame from glycine 340.
Molecular consequence: frameshift variant.
Genome position (GRCh38, 1-based): chr11:44,265,073, A deleted on the plus strand (T on the coding strand, the reverse complement: ALX4 is on the minus strand). VCF-style (leftmost placement, unchanged base first): chr11-44265072-CA-C. GRCh37 (hg19) VCF-style: chr11-44286622-CA-C.
Other names: c.1017delT (NM_021926.4); short protein forms G340fs.
Identifiers: ClinVar variation 1690439 (VCV001690439.2), dbSNP rs1403155983, ClinGen allele CA676755965.